The following is an entry in ClinVar:

NM_014780.5(CUL7):c.97G>C (p.Asp33His)

Gene: CUL7 (cullin 7; minus strand). Cytogenetic location: 6p21.1.
Variant type: single nucleotide variant.
Coding change: c.97G>C on transcript NM_014780.5 (MANE Select); coding-DNA position 97, G replaced by C.
Protein change: p.Asp33His; replaces aspartic acid 33 with histidine.
Molecular consequence: missense variant.
Genome position (GRCh38, 1-based): chr6:43,052,692, C>G on the plus strand (G>C on the coding strand, the complement: CUL7 is on the minus strand). VCF-style: chr6-43052692-C-G. GRCh37 (hg19) VCF-style: chr6-43020430-C-G.
Other names: c.97G>C, p.Asp33His (NM_001168370.2, NM_001374872.1, NM_001374873.1 and 1 more transcripts); short protein forms D33H.
Identifiers: ClinVar variation 1468905 (VCV001468905.8), dbSNP rs747064474, ClinGen allele CA138252208.
Genomic context (GRCh38, chr6:43,052,692, plus strand): 5'-CGTCCCCCTCATCGCCACGCCGCAGGATGAGCCAACGGATCTGGTACTCAGGATGCCCAT[C>G]ATGGCCCACGCGCTGGCGGATCAGCTCATCAGGATAGGCATGTAAGCCGGGCCCCAGGGG-3'
Protein context (NP_055595.2, residues 23-43): DELIRQRVGH[Asp33His]GHPEYQIRWL

ClinVar aggregate classification (germline): Uncertain significance (1 of 4 stars; one submission).

Allele frequency attached by ClinVar (database versions not stated): TOPMed 0.00002; gnomAD 0.00003.
gnomAD v4.1: 109 of 1,613,936 alleles (0.0068%); highest among the groups gnomAD compares: Non-Finnish European, 0.0087%; no homozygotes.

Submission:

Labcorp Genetics (formerly Invitae), Labcorp
Classification: Uncertain significance. Last evaluated: 2022-07-26. Review status: criteria provided, single submitter. Criteria: Invitae Variant Classification Sherloc (09022015). Collection method: clinical testing. Allele origin: germline.
Comment: ClinVar contains an entry for this variant (Variation ID: 1468905). This variant has not been reported in the literature in individuals affected with CUL7-related conditions. This variant is present in population databases (rs747064474, gnomAD 0.003%). This sequence change replaces aspartic acid, which is acidic and polar, with histidine, which is basic and polar, at codon 33 of the CUL7 protein (p.Asp33His). Algorithms developed to predict the effect of missense changes on protein structure and function are either unavailable or do not agree on the potential impact of this missense change (SIFT: "Deleterious"; PolyPhen-2: "Possibly Damaging"; Align-GVGD: "Class C0"). In summary, the available evidence is currently insufficient to determine the role of this variant in disease. Therefore, it has been classified as a Variant of Uncertain Significance.